The following is an entry in ClinVar:

NM_000492.4(CFTR):c.2168G>T (p.Gly723Val)

Gene: CFTR (CF transmembrane conductance regulator; plus strand). Cytogenetic location: 7q31.2.
Variant type: single nucleotide variant.
Coding change: c.2168G>T on transcript NM_000492.4 (MANE Select); coding-DNA position 2168, G replaced by T.
Protein change: p.Gly723Val; replaces glycine 723 with valine.
Molecular consequence: missense variant.
Genome position (GRCh38, 1-based): chr7:117,592,335, G>T. VCF-style: chr7-117592335-G-T. GRCh37 (hg19) VCF-style: chr7-117232389-G-T.
Other names: short protein forms G723V.
Identifiers: ClinVar variation 53447 (VCV000053447.13), dbSNP rs200531709, ClinGen allele CA326760.
Genomic context (GRCh38, chr7:117,592,335, plus strand): 5'-ATCCAATCAACTCTATACGAAAATTTTCCATTGTGCAAAAGACTCCCTTACAAATGAATG[G>T]CATCGAAGAGGATTCTGATGAGCCTTTAGAGAGAAGGCTGTCCTTAGTACCAGATTCTGA-3'
Protein context (NP_000483.3, residues 713-733): IVQKTPLQMN[Gly723Val]IEEDSDEPLE

ClinVar aggregate classification (germline): Uncertain significance. Review status: criteria provided, multiple submitters, no conflicts (2 of 4 stars). 6 submissions from 6 submitters: Uncertain significance (4). 2 of the submissions do not count toward it. Last evaluated 2026-03-09.

Conditions:
CFTR-related disorder (CFTR-RD). Also called: CFTR-related disorders; CFTR-related condition. Identifiers: MedGen C5924204, MONDO:7770004.
Cystic fibrosis (CF). Also called: MUCOVISCIDOSIS. Identifiers: Orphanet 586, MedGen C0010674, MONDO:0009061, OMIM 219700. Disease mechanism: loss of function.

Allele frequency attached by ClinVar (database versions not stated): ExAC 0.00001; gnomAD exomes 0.00003; 1000 Genomes Project 30x 0.00016; gnomAD 0.00001; TOPMed 0.00003; 1000 Genomes Project 0.00020.
gnomAD v4.1: 46 of 1,614,100 alleles (0.0028%); highest among the groups gnomAD compares: Non-Finnish European, 0.0039%; no homozygotes.

Submissions (6):

Women's Health and Genetics/Laboratory Corporation of America, LabCorp
Classification: Uncertain significance. Last evaluated: 2026-03-09. Review status: criteria provided, single submitter. Criteria: LabCorp Variant Classification Summary - May 2015. Collection method: clinical testing. Allele origin: germline.
Comment: Variant summary: CFTR c.2168G>T (p.Gly723Val) results in a non-conservative amino acid change located in the CFTR regulator domain (IPR025837) of the encoded protein sequence. Algorithms developed to predict the effect of missense changes on protein structure and function all suggest that this variant is likely to be disruptive. The variant allele was found at a frequency of 2.8e-05 in 251230 control chromosomes. The available data on variant occurrences in the general population are insufficient to allow any conclusion about variant significance. c.2168G>T has been reported in the literature in the heterozygous state in at least one individual affected with Cystic Fibrosis without a second reported variant (e.g. Zietkiewicz_2014). This report does not provide unequivocal conclusions about association of the variant with Chronic Pancreatitis Risk or other CFTR-related disorders. To our knowledge, no experimental evidence demonstrating an impact on protein function has been reported. The following publications have been ascertained in the context of this evaluation (PMID: 25735457, 24586523). ClinVar contains an entry for this variant (Variation ID: 53447). Based on the evidence outlined above, the variant was classified as uncertain significance.

Ambry Genetics
Classification: Uncertain significance for Cystic fibrosis. Last evaluated: 2024-08-20. Review status: criteria provided, single submitter. Criteria: Ambry Variant Classification Scheme 2023. Collection method: clinical testing. Allele origin: germline.
Comment: The p.G723V variant (also known as c.2168G>T), located in coding exon 14 of the CFTR gene, results from a G to T substitution at nucleotide position 2168. The glycine at codon 723 is replaced by valine, an amino acid with dissimilar properties. This alteration was identified in the heterozygous state in one individual who reportedly had cystic fibrosis; however, clinical information was limited and no second CFTR alteration was detected (Zitkiewicz E et al. PLoS ONE, 2014 Feb;9:e89094). This amino acid position is well conserved in available vertebrate species. In addition, this alteration is predicted to be deleterious by in silico analysis. Based on the available evidence, the clinical significance of this variant remains unclear.

Genome-Nilou Lab
Classification: Uncertain significance for Cystic fibrosis. Last evaluated: 2021-09-05. Review status: criteria provided, single submitter. Criteria: ACMG Guidelines, 2015. Collection method: clinical testing. Allele origin: germline. Affected: no.

Labcorp Genetics (formerly Invitae), Labcorp
Classification: Uncertain significance for Cystic fibrosis. Last evaluated: 2021-09-01. Review status: criteria provided, single submitter. Criteria: Invitae Variant Classification Sherloc (09022015). Collection method: clinical testing. Allele origin: germline.
Comment: This sequence change replaces glycine with valine at codon 723 of the CFTR protein (p.Gly723Val). The glycine residue is weakly conserved and there is a moderate physicochemical difference between glycine and valine. This variant is present in population databases (rs200531709, ExAC 0.002%). This missense change has been observed in individual(s) with cystic fibrosis (PMID: 24586523). Algorithms developed to predict the effect of missense changes on protein structure and function output the following: SIFT: "Tolerated"; PolyPhen-2: "Benign"; Align-GVGD: "Class C0". The valine amino acid residue is found in multiple mammalian species, which suggests that this missense change does not adversely affect protein function. In summary, the available evidence is currently insufficient to determine the role of this variant in disease. Therefore, it has been classified as a Variant of Uncertain Significance.

Natera, Inc.
Classification: Uncertain significance for CFTR-related disorders. Last evaluated: 2018-05-29. Review status: no assertion criteria provided. Collection method: clinical testing. Allele origin: germline. Not counted in ClinVar's aggregate classification.

Counsyl
Classification: Uncertain significance for Cystic fibrosis. Last evaluated: 2017-12-04. Review status: no assertion criteria provided. Collection method: clinical testing. Allele origin: unknown. Not counted in ClinVar's aggregate classification.

Literature cited by the submitters: PubMed 24586523 (cited by 4 submitters); PubMed 25735457 (cited by Women's Health and Genetics/Laboratory Corporation of America, LabCorp).